The following is an entry in ClinVar:

ClinVar aggregate classification (germline): Uncertain significance (1 of 4 stars; one submission).

Conditions:
Familial thoracic aortic aneurysm and aortic dissection (TAAD). Also called: Thoracic aortic aneurysms and dissections. Identifiers: Orphanet 91387, MedGen C4707243, MONDO:0019625.

Submission:

Ambry Genetics
Classification: Uncertain significance for Familial thoracic aortic aneurysm and aortic dissection. Last evaluated: 2026-07-20. Review status: criteria provided, single submitter. Criteria: Ambry Variant Classification Scheme 2023. Collection method: clinical testing. Allele origin: germline.
Comment: The c.616+2T>G intronic variant results from a T to G substitution two nucleotides after coding exon 5 in the ACTA2 gene. This nucleotide position is highly conserved in available vertebrate species. In silico splice site analysis predicts that this alteration will weaken the native splice donor site. Variants that disrupt the canonical splice site are expected to cause aberrant splicing, resulting in an abnormal protein or a transcript that is subject to nonsense-mediated mRNA decay. However, loss of function has not been established as a mechanism of disease. Based on the available evidence, the clinical significance of this variant remains unclear.

NM_001613.4(ACTA2):c.616+2T>G

Gene: ACTA2 (actin alpha 2, smooth muscle; minus strand). Cytogenetic location: 10q23.31.
Variant type: single nucleotide variant.
Coding change: c.616+2T>G on transcript NM_001613.4 (MANE Select); the canonical splice donor site of the intron after coding-DNA position 616, T replaced by G.
Molecular consequence: splice donor variant.
Genome position (GRCh38, 1-based): chr10:88,941,227, A>C on the plus strand (T>G on the coding strand, the complement: ACTA2 is on the minus strand). VCF-style: chr10-88941227-A-C. GRCh37 (hg19) VCF-style: chr10-90700984-A-C.
Other names: c.616+2T>G (NM_001406463.1, NM_001406464.1, NM_001320855.2 and 3 more transcripts); c.487+2T>G (NM_001406469.1, NM_001406467.1, NM_001406468.1); c.505+2T>G (NM_001406466.1).
Identifiers: ClinVar variation 1751957 (VCV001751957.3), dbSNP rs2494537222, ClinGen allele CA377511822.
Genomic context (GRCh38, chr10:88,941,227, plus strand): 5'-GTCCTGGAAGTTACTGAGCAACACACTGCTCCCCTCTCCCCCTTATCTCCCACAGGCCTC[A>C]CCAGTAGTAACGAAGGAATAGCCACGCTCAGTCAGGATCTTCATGAGGTAGTCAGTGAGA-3'